The following is an entry in ClinVar:

NM_005359.6(SMAD4):c.745_746delinsAG (p.Gln249Arg)

Gene: SMAD4 (SMAD family member 4; plus strand). Cytogenetic location: 18q21.2.
Variant type: Indel.
Coding change: c.745_746delinsAG on transcript NM_005359.6 (MANE Select); coding-DNA positions 745 to 746, CA replaced by AG.
Protein change: p.Gln249Arg; replaces glutamine 249 with arginine.
Molecular consequence: missense variant.
Genome position (GRCh38, 1-based): chr18:51,058,202-51,058,203, CA replaced by AG. VCF-style: chr18-51058202-CA-AG. GRCh37 (hg19) VCF-style: chr18-48584572-CA-AG.
Other names: c.745_746delinsAG (NM_005359.5); short protein forms Q249R.
Identifiers: ClinVar variation 827058 (VCV000827058.15), dbSNP rs1599189560, ClinGen allele CA915951531.

ClinVar aggregate classification (germline): Conflicting classifications of pathogenicity. Review status: criteria provided, conflicting classifications (1 of 4 stars). 3 submissions from 3 submitters: Uncertain significance (2); Likely benign (1). Last evaluated 2025-10-30.

Conditions:
Hereditary cancer-predisposing syndrome. Also called: Neoplastic Syndromes, Hereditary; Hereditary Cancer Syndrome; Hereditary neoplastic syndrome; Tumor predisposition. Identifiers: Orphanet 140162, MedGen C0027672, MeSH D009386, MONDO:0015356.
Familial thoracic aortic aneurysm and aortic dissection (TAAD). Also called: Thoracic aortic aneurysms and dissections. Identifiers: Orphanet 91387, MedGen C4707243, MONDO:0019625.
Juvenile polyposis syndrome (JPS). Identifiers: Orphanet 2929, MedGen C0345893, MONDO:0017380, OMIM 174900.

Submissions (3):

Labcorp Genetics (formerly Invitae), Labcorp
Classification: Likely benign for Juvenile polyposis syndrome. Last evaluated: 2025-10-30. Review status: criteria provided, single submitter. Criteria: Invitae Variant Classification Sherloc (09022015). Collection method: clinical testing. Allele origin: germline.

Ambry Genetics
Classification: Uncertain significance for Hereditary cancer-predisposing syndrome; Familial thoracic aortic aneurysm and aortic dissection. Last evaluated: 2024-11-21. Review status: criteria provided, single submitter. Criteria: Ambry Variant Classification Scheme 2023. Collection method: clinical testing. Allele origin: germline.
Comment: The c.745_746delCAinsAG variant (also known as p.Q249R), located in coding exon 5 of the SMAD4 gene, results from an in-frame deletion of CA and insertion of AG at nucleotide positions 745 to 746. This results in the substitution of the glutamine residue for an arginine residue at codon 249, an amino acid with highly similar properties. This amino acid position is highly conserved in available vertebrate species. In addition, this alteration is predicted to be neutral by in silico analysis (Choi Y et al. PLoS ONE. 2012; 7(10):e46688). Based on the available evidence, the clinical significance of this variant remains unclear.

Quest Diagnostics Nichols Institute San Juan Capistrano
Classification: Uncertain significance. Last evaluated: 2023-06-01. Review status: criteria provided, single submitter. Criteria: Quest Diagnostics criteria. Collection method: clinical testing. Allele origin: unknown.
Comment: This variant has not been reported in the published literature. It also has not been reported in large, multi-ethnic general populations (Genome Aggregation Database). Analysis of this variant using bioinformatics tools for the prediction of the effect of amino acid changes on protein structure and function yielded predictions that this variant is benign. Based on the available information, we are unable to determine the clinical significance of this variant.